The following is an entry in ClinVar:

ClinVar aggregate classification (germline): Pathogenic. Review status: criteria provided, multiple submitters, no conflicts (2 of 4 stars). 2 submissions from 2 submitters: Pathogenic (2). Last evaluated 2025-09-21.

Conditions:
Familial dysautonomia. Also called: HSAN III; FD. Identifiers: Orphanet 1764, MedGen C0013364, MONDO:0009131, OMIM 223900. Disease mechanism: loss of function.

Submissions (2):

Myriad Genetics, Inc.
Classification: Pathogenic for Familial dysautonomia. Last evaluated: 2025-09-21. Review status: criteria provided, single submitter. Criteria: Myriad Autosomal Dominant, Autosomal Recessive and X-Linked Classification Criteria (2023). Collection method: clinical testing. Allele origin: unknown.
Comment: NM_003640.3(ELP1):c.3631_3634dupAGTC(P1212Qfs*14) is expected to be pathogenic in the context of familial dysautonomia. This variant is predicted to lead to an abnormal or absent protein product due to the creation of a premature termination codon in ELP1, a gene where loss-of-function variants are known to be pathogenic. Please note: this variant was assessed in the context of healthy population screening.

Labcorp Genetics (formerly Invitae), Labcorp
Classification: Pathogenic. Last evaluated: 2023-09-06. Review status: criteria provided, single submitter. Criteria: Invitae Variant Classification Sherloc (09022015). Collection method: clinical testing. Allele origin: germline.
Comment: For these reasons, this variant has been classified as Pathogenic. This variant has not been reported in the literature in individuals affected with ELP1-related conditions. This variant is not present in population databases (gnomAD no frequency). This sequence change creates a premature translational stop signal (p.Pro1212Glnfs*14) in the ELP1 gene. It is expected to result in an absent or disrupted protein product. Loss-of-function variants in ELP1 are known to be pathogenic (PMID: 18303054, 24173031).

Literature cited by the submitters: PubMed 18303054 (cited by Labcorp Genetics (formerly Invitae), Labcorp); PubMed 24173031 (cited by Labcorp Genetics (formerly Invitae), Labcorp).

NM_003640.5(ELP1):c.3631_3634dup (p.Pro1212fs)

Gene: ELP1 (elongator acetyltransferase complex subunit 1; minus strand). Cytogenetic location: 9q31.3.
Variant type: Duplication.
Coding change: c.3631_3634dup on transcript NM_003640.5 (MANE Select); coding-DNA positions 3631 to 3634, 4 bases duplicated (AGTC; older notation c.3631_3634dupAGTC).
Protein change: p.Pro1212fs; shifts the reading frame from proline 1212.
Molecular consequence: frameshift variant.
Genome position (GRCh38, 1-based): chr9:108,878,689-108,878,692, GACT duplicated on the plus strand (AGTC on the coding strand, the reverse complement: ELP1 is on the minus strand); duplicating any 4 consecutive bases within chr9:108,878,689-108,878,693 gives the same sequence; the c. name uses the placement nearest the transcript's 3' end. VCF-style (leftmost placement, unchanged base first): chr9-108878688-G-GGACT. GRCh37 (hg19) VCF-style: chr9-111640968-G-GGACT.
Other names: c.3289_3292dup, p.Pro1098fs (NM_001318360.2); c.2584_2587dup, p.Pro863fs (NM_001330749.2); short protein forms P863fs, P1212fs, P1098fs.
Identifiers: ClinVar variation 2758387 (VCV002758387.4), dbSNP rs2537856355, ClinGen allele CA2697557950.
Genomic context (GRCh38, chr9:108,878,688, plus strand): 5'-AGGTTTTCAGTGTTCTGCACCACTTCACTCAGTGCCTCCAGGAGGGCCAGGTCCTCCAGC[G>GGACT]GACTGCCTTCTTTGAGGCTGTGCTTCTTCCGCTCCGCTTTTCGGCGATTCTTGGATGATC-3'